The following is an entry in ClinVar:

ClinVar aggregate classification (germline): Benign. Review status: criteria provided, multiple submitters, no conflicts (2 of 4 stars). 2 submissions from 2 submitters: Benign (2). Last evaluated 2018-06-16.

Allele frequency attached by ClinVar (database versions not stated): 1000 Genomes Project 0.00559; 1000 Genomes Project 30x 0.00671; TOPMed 0.01792; gnomAD 0.02197 and 0.02288; gnomAD exomes 0.03011.
gnomAD v4.1: 16,941 of 610,696 alleles (2.8%); highest among the groups gnomAD compares: Non-Finnish European, 3.2%; 305 homozygotes.

Submissions (2):

GeneDx
Classification: Benign. Last evaluated: 2018-06-16. Review status: criteria provided, single submitter. Criteria: GeneDx Variant Classification (06012015). Collection method: clinical testing. Allele origin: germline. Affected: yes.
Comment: This variant is considered likely benign or benign based on one or more of the following criteria: it is a conservative change, it occurs at a poorly conserved position in the protein, it is predicted to be benign by multiple in silico algorithms, and/or has population frequency not consistent with disease.

Breakthrough Genomics
Classification: Benign. Review status: criteria provided, single submitter. Criteria: ACMG Guidelines, 2015. Collection method: not provided. Allele origin: germline. Inheritance: Autosomal recessive inheritance. Affected: yes.

NM_178138.6(LHX3):c.455-97G>C

Gene: LHX3 (LIM homeobox 3; minus strand). Cytogenetic location: 9q34.3.
Variant type: single nucleotide variant.
Coding change: c.455-97G>C on transcript NM_178138.6 (MANE Select); 97 bases into the intron before coding-DNA position 455, G replaced by C.
Molecular consequence: intron variant.
Genome position (GRCh38, 1-based): chr9:136,199,156, C>G on the plus strand (G>C on the coding strand, the complement: LHX3 is on the minus strand). VCF-style: chr9-136199156-C-G. GRCh37 (hg19) VCF-style: chr9-139091002-C-G.
Other names: c.470-97G>C (NM_014564.5); c.422-97G>C (NM_001363746.1).
Identifiers: ClinVar variation 684090 (VCV000684090.2), dbSNP rs553463579, ClinGen allele CA201531501.